The following is an entry in ClinVar:

ClinVar aggregate classification (germline): Uncertain significance (1 of 4 stars; one submission).

Conditions:
Cardiovascular phenotype. Identifiers: MedGen CN230736.

Submission:

Ambry Genetics
Classification: Uncertain significance for Cardiovascular phenotype. Last evaluated: 2019-01-26. Review status: criteria provided, single submitter. Criteria: Ambry Variant Classification Scheme 2023. Collection method: clinical testing. Allele origin: germline.
Comment: The p.C3928R variant (also known as c.11782T>C), located in coding exon 88 of the RYR2 gene, results from a T to C substitution at nucleotide position 11782. The cysteine at codon 3928 is replaced by arginine, an amino acid with highly dissimilar properties. This amino acid position is highly conserved in available vertebrate species. In addition, this alteration is predicted to be deleterious by in silico analysis. Since supporting evidence is limited at this time, the clinical significance of this alteration remains unclear.

NM_001035.3(RYR2):c.11782T>C (p.Cys3928Arg)

Gene: RYR2 (ryanodine receptor 2; plus strand). Cytogenetic location: 1q43.
Variant type: single nucleotide variant.
Coding change: c.11782T>C on transcript NM_001035.3 (MANE Select); coding-DNA position 11782, T replaced by C.
Protein change: p.Cys3928Arg; replaces cysteine 3928 with arginine.
Molecular consequence: missense variant.
Genome position (GRCh38, 1-based): chr1:237,778,672, T>C. VCF-style: chr1-237778672-T-C. GRCh37 (hg19) VCF-style: chr1-237941972-T-C.
Other names: short protein forms C3928R.
Identifiers: ClinVar variation 1741165 (VCV001741165.2), dbSNP rs2527697174, ClinGen allele CA345408983.